The following is an entry in ClinVar:

NM_003982.4(SLC7A7):c.1003T>G (p.Phe335Val)

Gene: SLC7A7 (solute carrier family 7 member 7; minus strand). Cytogenetic location: 14q11.2.
Variant type: single nucleotide variant.
Coding change: c.1003T>G on transcript NM_003982.4 (MANE Select); coding-DNA position 1003, T replaced by G.
Protein change: p.Phe335Val; replaces phenylalanine 335 with valine.
Molecular consequence: missense variant.
Genome position (GRCh38, 1-based): chr14:22,775,536, A>C on the plus strand (T>G on the coding strand, the complement: SLC7A7 is on the minus strand). VCF-style: chr14-22775536-A-C. GRCh37 (hg19) VCF-style: chr14-23244745-A-C.
Other names: c.1003T>G, p.Phe335Val (NM_001126105.3, NM_001126106.4); short protein forms F335V.
Identifiers: ClinVar variation 1409622 (VCV001409622.5), dbSNP rs2139387225, ClinGen allele CA388923215.

ClinVar aggregate classification (germline): Uncertain significance (1 of 4 stars; one submission).

Conditions:
Lysinuric protein intolerance (LPI). Identifiers: Orphanet 470, MedGen C0268647, MONDO:0009109, OMIM 222700.

Allele frequency attached by ClinVar (database versions not stated): gnomAD exomes below 0.00001.
gnomAD v4.1: 1 of 1,614,126 alleles (0.000062%); highest among the groups gnomAD compares: Non-Finnish European, 0.000085%; no homozygotes.

Submission:

Labcorp Genetics (formerly Invitae), Labcorp
Classification: Uncertain significance for Lysinuric protein intolerance. Last evaluated: 2021-09-01. Review status: criteria provided, single submitter. Criteria: Invitae Variant Classification Sherloc (09022015). Collection method: clinical testing. Allele origin: germline.
Comment: This sequence change replaces phenylalanine with valine at codon 335 of the SLC7A7 protein (p.Phe335Val). The phenylalanine residue is moderately conserved and there is a small physicochemical difference between phenylalanine and valine. This variant is not present in population databases (ExAC no frequency). This variant has not been reported in the literature in individuals affected with SLC7A7-related conditions. Algorithms developed to predict the effect of missense changes on protein structure and function are either unavailable or do not agree on the potential impact of this missense change (SIFT: "Tolerated"; PolyPhen-2: "Probably Damaging"; Align-GVGD: "Class C0"). In summary, the available evidence is currently insufficient to determine the role of this variant in disease. Therefore, it has been classified as a Variant of Uncertain Significance.